The following is an entry in ClinVar:

ClinVar aggregate classification (germline): Uncertain significance (1 of 4 stars; one submission).

Submission:

GeneDx
Classification: Uncertain significance. Last evaluated: 2025-03-30. Review status: criteria provided, single submitter. Criteria: GeneDx Variant Classification Process June 2021. Collection method: clinical testing. Allele origin: germline. Affected: yes.
Comment: Not observed at significant frequency in large population cohorts (gnomAD); In silico analysis supports that this missense variant has a deleterious effect on protein structure/function; Has not been previously published as pathogenic or benign to our knowledge

NM_017617.5(NOTCH1):c.2962A>G (p.Thr988Ala)

Gene: NOTCH1 (notch receptor 1; minus strand). Cytogenetic location: 9q34.3.
Variant type: single nucleotide variant.
Coding change: c.2962A>G on transcript NM_017617.5 (MANE Select); coding-DNA position 2962, A replaced by G.
Protein change: p.Thr988Ala; replaces threonine 988 with alanine.
Molecular consequence: missense variant.
Genome position (GRCh38, 1-based): chr9:136,509,740, T>C on the plus strand (A>G on the coding strand, the complement: NOTCH1 is on the minus strand). VCF-style: chr9-136509740-T-C. GRCh37 (hg19) VCF-style: chr9-139404192-T-C.
Other names: short protein forms T988A.
Identifiers: ClinVar variation 4278839 (VCV004278839.1).